The following is an entry in ClinVar:

NM_018718.3(CEP41):c.798T>G (p.Ile266Met)

Gene: CEP41 (centrosomal protein 41; minus strand). Cytogenetic location: 7q32.2.
Variant type: single nucleotide variant.
Coding change: c.798T>G on transcript NM_018718.3 (MANE Select); coding-DNA position 798, T replaced by G.
Protein change: p.Ile266Met; replaces isoleucine 266 with methionine.
Molecular consequence: missense variant. On other transcripts: non-coding transcript variant (1), intron variant (2).
Genome position (GRCh38, 1-based): chr7:130,400,214, A>C on the plus strand (T>G on the coding strand, the complement: CEP41 is on the minus strand). VCF-style: chr7-130400214-A-C. GRCh37 (hg19) VCF-style: chr7-130040055-A-C.
Other names: c.709+493T>G (NM_001257159.2); c.757+493T>G (NM_001257158.2); short protein forms I266M.
Identifiers: ClinVar variation 1501523 (VCV001501523.6), dbSNP rs2117552869, ClinGen allele CA369287374.

ClinVar aggregate classification (germline): Uncertain significance (1 of 4 stars; one submission).

Conditions:
Joubert syndrome 15 (JBTS15). Identifiers: Orphanet 475, MedGen C3280897, MONDO:0013763, OMIM 614464.

Allele frequency attached by ClinVar (database versions not stated): gnomAD exomes below 0.00001.
gnomAD v4.1: 2 of 1,613,948 alleles (0.00012%); highest among the groups gnomAD compares: Non-Finnish European, 0.00017%; no homozygotes.

Submission:

Labcorp Genetics (formerly Invitae), Labcorp
Classification: Uncertain significance for Joubert syndrome 15. Last evaluated: 2022-08-22. Review status: criteria provided, single submitter. Criteria: Invitae Variant Classification Sherloc (09022015). Collection method: clinical testing. Allele origin: germline.
Comment: In summary, the available evidence is currently insufficient to determine the role of this variant in disease. Therefore, it has been classified as a Variant of Uncertain Significance. Algorithms developed to predict the effect of missense changes on protein structure and function are either unavailable or do not agree on the potential impact of this missense change (SIFT: "Deleterious"; PolyPhen-2: "Benign"; Align-GVGD: "Class C0"). ClinVar contains an entry for this variant (Variation ID: 1501523). This variant has not been reported in the literature in individuals affected with CEP41-related conditions. This variant is not present in population databases (gnomAD no frequency). This sequence change replaces isoleucine, which is neutral and non-polar, with methionine, which is neutral and non-polar, at codon 266 of the CEP41 protein (p.Ile266Met).